The following is an entry in ClinVar:

NM_001365088.1(SLC12A6):c.*2659A>G

Gene: SLC12A6 (solute carrier family 12 member 6; minus strand). Cytogenetic location: 15q14.
Variant type: single nucleotide variant.
Coding change: c.*2659A>G on transcript NM_001365088.1 (MANE Select); 2659 bases downstream of the stop codon, A replaced by G.
Molecular consequence: 3 prime UTR variant.
Genome position (GRCh38, 1-based): chr15:34,231,222, T>C on the plus strand (A>G on the coding strand, the complement: SLC12A6 is on the minus strand). VCF-style: chr15-34231222-T-C. GRCh37 (hg19) VCF-style: chr15-34523423-T-C.
Other names: c.*2659A>G (NM_001042494.2, NM_001042495.2, NM_001042496.2 and 3 more transcripts).
Identifiers: ClinVar variation 315564 (VCV000315564.5), dbSNP rs142451941, ClinGen allele CA10645665.
Genomic context (GRCh38, chr15:34,231,222, plus strand): 5'-GACCAACATCAGTTTCAGTAGAGAAACCCCGTCTCTACTGAAAATACAAAATTAGCTGGG[T>C]GTGGTGGCACATGCTTGTAATTCCAGCTACTCGGGAGGCTGAGGCAGGAGAATCGCTTGA-3'

ClinVar aggregate classification (germline): Benign (1 of 4 stars; one submission).

Conditions:
Agenesis of the corpus callosum with peripheral neuropathy (ACCPN). Also called: CHARLEVOIX DISEASE; POLYNEUROPATHY, SENSORIMOTOR, WITH OR WITHOUT AGENESIS OF THE CORPUS CALLOSUM; HMSN/ACC; Hereditary Motor and Sensory Neuropathy with Agenesis of the Corpus Callosum. Identifiers: Orphanet 1496, MedGen C0795950, MONDO:0000902, OMIM 218000. Disease mechanism: loss of function.

Allele frequency attached by ClinVar (database versions not stated): gnomAD exomes 0.00446; 1000 Genomes Project 0.00859; 1000 Genomes Project 30x 0.00874; gnomAD 0.01010 and 0.01079; TOPMed 0.01153.
gnomAD v4.1: 1,519 of 152,346 alleles (1%); highest among the groups gnomAD compares: African/African-American, 3.5%; 29 homozygotes.

Submission:

Illumina Laboratory Services, Illumina
Classification: Benign for Agenesis of the corpus callosum with peripheral neuropathy. Last evaluated: 2018-01-13. Review status: criteria provided, single submitter. Criteria: ICSL Variant Classification Criteria 13 December 2019. Collection method: clinical testing. Allele origin: germline.
Comment: This variant was observed in the ICSL laboratory as part of a predisposition screen in an ostensibly healthy population. It had not been previously curated by ICSL or reported in the Human Gene Mutation Database (HGMD: prior to June 1st, 2018), and was therefore a candidate for classification through an automated scoring system. Utilizing variant allele frequency, disease prevalence and penetrance estimates, and inheritance mode, an automated score was calculated to assess if this variant is too frequent to cause the disease. Based on the score and internal cut-off values, a variant classified as benign is not then subjected to further curation. The score for this variant resulted in a classification of benign for this disease.